The following is an entry in ClinVar:

ClinVar aggregate classification (germline): Likely benign. Review status: criteria provided, multiple submitters, no conflicts (2 of 4 stars). 2 submissions from 2 submitters: Likely benign (2). Last evaluated 2025-08-14.

Allele frequency attached by ClinVar (database versions not stated): ExAC 0.00002; gnomAD 0.00002; TOPMed 0.00002; gnomAD exomes 0.00005; ESP Exome Variant Server 0.00008.
gnomAD v4.1: 79 of 1,613,918 alleles (0.0049%); highest among the groups gnomAD compares: Middle Eastern, 0.033%; no homozygotes.

Submissions (2):

Ambry Genetics
Classification: Likely benign. Last evaluated: 2025-08-14. Review status: criteria provided, single submitter. Criteria: Ambry Variant Classification Scheme 2023. Collection method: clinical testing. Allele origin: germline.

CeGaT Center for Human Genetics Tuebingen
Classification: Likely benign. Last evaluated: 2023-05-01. Review status: criteria provided, single submitter. Criteria: CeGaT Center For Human Genetics Tuebingen Variant Classification Criteria Version 2. Collection method: clinical testing. Allele origin: germline. Affected: yes. Observed: 1 variant allele.
Comment: KNG1: BP4

NM_001102416.3(KNG1):c.350C>T (p.Thr117Met)

Gene: KNG1 (kininogen 1; plus strand). Cytogenetic location: 3q27.3.
Variant type: single nucleotide variant.
Coding change: c.350C>T on transcript NM_001102416.3 (MANE Select); coding-DNA position 350, C replaced by T.
Protein change: p.Thr117Met; replaces threonine 117 with methionine.
Molecular consequence: missense variant.
Genome position (GRCh38, 1-based): chr3:186,722,480, C>T. VCF-style: chr3-186722480-C-T. GRCh37 (hg19) VCF-style: chr3-186440269-C-T.
Other names: c.350C>T (NM_001102416.2); c.350C>T, p.Thr117Met (NM_000893.4, NM_001166451.2); short protein forms T117M.
Identifiers: ClinVar variation 2654339 (VCV002654339.25), dbSNP rs369421808, ClinGen allele CA2746112.
Genomic context (GRCh38, chr3:186,722,480, plus strand): 5'-CTTTCTTTTCTTTTTAGGCCACTGGAGAATGCACGGCAACCGTGGGGAAGAGGAGCAGTA[C>T]GAAATTCTCCGTGGCTACCCAGACCTGCCAGATTACTCCAGGTGGCTGGTTTATCCTCTG-3'
Protein context (NP_001095886.1, residues 107-127): CTATVGKRSS[Thr117Met]KFSVATQTCQ